The following is an entry in ClinVar:

NM_006031.6(PCNT):c.7819C>G (p.Arg2607Gly)

Gene: PCNT (pericentrin; plus strand). Cytogenetic location: 21q22.3.
Variant type: single nucleotide variant.
Coding change: c.7819C>G on transcript NM_006031.6 (MANE Select); coding-DNA position 7819, C replaced by G.
Protein change: p.Arg2607Gly; replaces arginine 2607 with glycine.
Molecular consequence: missense variant.
Genome position (GRCh38, 1-based): chr21:46,430,138, C>G. VCF-style: chr21-46430138-C-G. GRCh37 (hg19) VCF-style: chr21-47850052-C-G.
Other names: c.7465C>G, p.Arg2489Gly (NM_001315529.2); short protein forms R2489G, R2607G.
Identifiers: ClinVar variation 4997005 (VCV004997005.1).

ClinVar aggregate classification (germline): Uncertain significance (1 of 4 stars; one submission).

Conditions:
PCNT-related disorder. Also called: PCNT-related condition.

gnomAD v4.1: 1 of 1,614,072 alleles (0.000062%); highest among the groups gnomAD compares: African/African-American, 0.0013%; no homozygotes.

Submission:

PreventionGenetics, part of Exact Sciences
Classification: Uncertain significance for PCNT-related condition. Last evaluated: 2025-06-13. Review status: criteria provided, single submitter. Criteria: ACMG Guidelines, 2015. Collection method: clinical testing. Allele origin: germline.
Comment: The PCNT c.7819C>G variant is predicted to result in the amino acid substitution p.Arg2607Gly. To our knowledge, this variant has not been reported in the literature or in a large population database (gnomAD), indicating this variant is rare. At this time, the clinical significance of this variant is uncertain due to the absence of conclusive functional and genetic evidence.